The following is an entry in ClinVar:

NM_182961.4(SYNE1):c.4377C>T (p.Ser1459=)

Gene: SYNE1 (spectrin repeat containing nuclear envelope protein 1; minus strand). Cytogenetic location: 6q25.2.
Variant type: single nucleotide variant.
Coding change: c.4377C>T on transcript NM_182961.4 (MANE Select); coding-DNA position 4377, C replaced by T.
Protein change: p.Ser1459=; no amino-acid change (serine 1459 retained).
Molecular consequence: synonymous variant.
Genome position (GRCh38, 1-based): chr6:152,433,879, G>A on the plus strand (C>T on the coding strand, the complement: SYNE1 is on the minus strand). VCF-style: chr6-152433879-G-A. GRCh37 (hg19) VCF-style: chr6-152755014-G-A.
Other names: c.4398C>T, p.Ser1466= (NM_033071.5).
Identifiers: ClinVar variation 283677 (VCV000283677.22), dbSNP rs146567226, ClinGen allele CA4058578.

ClinVar aggregate classification (germline): Conflicting classifications of pathogenicity. Review status: criteria provided, conflicting classifications (1 of 4 stars). 7 submissions from 6 submitters: Uncertain significance (2); Benign (1); Likely benign (2). 2 of the submissions do not count toward it. Last evaluated 2025-07-06.

Conditions:
Autosomal recessive ataxia, Beauce type. Also called: Spinocerebellar ataxia, autosomal recessive 8; ATAXIA, RECESSIVE, OF BEAUCE; SYNE1-Related Autosomal Recessive Cerebellar Ataxia; SYNE1 Deficiency. Identifiers: Orphanet 88644, MedGen C1853116, MONDO:0012549, OMIM 610743.
Emery-Dreifuss muscular dystrophy 4, autosomal dominant (EDMD4). Also called: EMERY-DREIFUSS MUSCULAR DYSTROPHY 4 WITH VARIABLE FEATURES. Identifiers: Orphanet 261, MedGen C2751807, MONDO:0013071, OMIM 612998.

Allele frequency attached by ClinVar (database versions not stated): ExAC 0.00007; gnomAD 0.00007; gnomAD exomes 0.00007 and 0.00023; TOPMed 0.00011; ESP Exome Variant Server 0.00023.
gnomAD v4.1: 341 of 1,613,588 alleles (0.021%); highest among the groups gnomAD compares: Non-Finnish European, 0.028%; no homozygotes.

Submissions (7):

Labcorp Genetics (formerly Invitae), Labcorp
Classification: Likely benign for Emery-Dreifuss muscular dystrophy 4, autosomal dominant; Autosomal recessive ataxia, Beauce type. Last evaluated: 2025-07-06. Review status: criteria provided, single submitter. Criteria: Invitae Variant Classification Sherloc (09022015). Collection method: clinical testing. Allele origin: germline.

Athena Diagnostics
Classification: Likely benign. Last evaluated: 2025-04-11. Review status: criteria provided, single submitter. Criteria: Athena Diagnostics Criteria. Collection method: clinical testing. Allele origin: unknown.
Comment: Computational tools yielded predictions that this variant is unlikely to have an effect on normal RNA splicing. This nucleotide position exhibits low evolutionary conservation.

Illumina Laboratory Services, Illumina
Classification: Benign for Emery-Dreifuss muscular dystrophy 4, autosomal dominant. Last evaluated: 2018-01-13. Review status: criteria provided, single submitter. Criteria: ICSL Variant Classification Criteria 13 December 2019. Collection method: clinical testing. Allele origin: germline.
Comment: This variant was observed in the ICSL laboratory as part of a predisposition screen in an ostensibly healthy population. It had not been previously curated by ICSL or reported in the Human Gene Mutation Database (HGMD: prior to June 1st, 2018), and was therefore a candidate for classification through an automated scoring system. Utilizing variant allele frequency, disease prevalence and penetrance estimates, and inheritance mode, an automated score was calculated to assess if this variant is too frequent to cause the disease. Based on the score and internal cut-off values, a variant classified as benign is not then subjected to further curation. The score for this variant resulted in a classification of benign for this disease.

Illumina Laboratory Services, Illumina
Classification: Uncertain significance for Autosomal recessive ataxia, Beauce type. Last evaluated: 2018-01-13. Review status: criteria provided, single submitter. Criteria: ICSL Variant Classification Criteria 13 December 2019. Collection method: clinical testing. Allele origin: germline.

Eurofins Ntd Llc (ga)
Classification: Uncertain significance. Last evaluated: 2015-10-13. Review status: criteria provided, single submitter. Criteria: EGL Classification Definitions 2015. Collection method: clinical testing. Allele origin: germline. Observed: 2 variant alleles, 2 heterozygotes.

Clinical Genetics DNA and cytogenetics Diagnostics Lab, Erasmus MC, Erasmus Medical Center
Classification: Likely benign. Review status: no assertion criteria provided. Collection method: clinical testing. Allele origin: germline. Affected: yes. Study: VKGL Data-share Consensus. Not counted in ClinVar's aggregate classification.

Joint Genome Diagnostic Labs from Nijmegen and Maastricht, Radboudumc and MUMC+
Classification: Likely benign. Review status: no assertion criteria provided. Collection method: clinical testing. Allele origin: germline. Affected: yes. Study: VKGL Data-share Consensus. Not counted in ClinVar's aggregate classification.